The following is an entry in ClinVar:

NM_020813.4(ZNF471):c.1548A>G (p.Glu516=)

Gene: ZNF471 (zinc finger protein 471; plus strand). Cytogenetic location: 19q13.43.
Variant type: single nucleotide variant.
Coding change: c.1548A>G on transcript NM_020813.4 (MANE Select); coding-DNA position 1548, A replaced by G.
Protein change: p.Glu516=; no amino-acid change (glutamic acid 516 retained).
Molecular consequence: synonymous variant.
Genome position (GRCh38, 1-based): chr19:56,525,615, A>G. VCF-style: chr19-56525615-A-G. GRCh37 (hg19) VCF-style: chr19-57036984-A-G.
Other names: c.1326A>G, p.Glu442= (NM_001321768.2).
Identifiers: ClinVar variation 2650564 (VCV002650564.24), dbSNP rs137869694, ClinGen allele CA9690568.
Genomic context (GRCh38, chr19:56,525,615, plus strand): 5'-TAGAATCAGTTCACAGCTGGCTACTCATCAGAGAATTCATACTGGAGAGAAGCCTTATGA[A>G]TGTATTGAATGTGGAAATGCTTTCAAACAGAGATCACACCTTGCCCAACATCAGAAAACT-3'
Protein context (NP_065864.2, residues 506-526): QRIHTGEKPY[Glu516=]CIECGNAFKQ

ClinVar aggregate classification (germline): Likely benign (1 of 4 stars; one submission).

Allele frequency attached by ClinVar (database versions not stated): ExAC 0.00011; TOPMed 0.00020; gnomAD 0.00021; gnomAD exomes 0.00029; ESP Exome Variant Server 0.00038.
gnomAD v4.1: 454 of 1,614,062 alleles (0.028%); highest among the groups gnomAD compares: Non-Finnish European, 0.036%; 1 homozygote.

Submission:

CeGaT Center for Human Genetics Tuebingen
Classification: Likely benign. Last evaluated: 2022-12-01. Review status: criteria provided, single submitter. Criteria: CeGaT Center For Human Genetics Tuebingen Variant Classification Criteria Version 2. Collection method: clinical testing. Allele origin: germline. Affected: yes. Observed: 1 variant allele.
Comment: ZNF471: BP4, BP7